The following is an entry in ClinVar:

NM_000293.3(PHKB):c.2623C>T (p.Arg875Ter)

Gene: PHKB (phosphorylase kinase regulatory subunit beta; plus strand). Cytogenetic location: 16q12.1.
Variant type: single nucleotide variant.
Coding change: c.2623C>T on transcript NM_000293.3 (MANE Select); coding-DNA position 2623, C replaced by T.
Protein change: p.Arg875Ter; replaces arginine 875 with a stop codon.
Molecular consequence: nonsense.
Genome position (GRCh38, 1-based): chr16:47,669,410, C>T. VCF-style: chr16-47669410-C-T. GRCh37 (hg19) VCF-style: chr16-47703321-C-T.
Other names: c.2602C>T, p.Arg868Ter (NM_001031835.3); c.2623C>T, p.Arg875Ter (NM_001363837.1); short protein forms R868*, R875*.
Identifiers: ClinVar variation 1804671 (VCV001804671.4), dbSNP rs768885733, ClinGen allele CA395791529.

ClinVar aggregate classification (germline): Pathogenic/Likely pathogenic. Review status: criteria provided, multiple submitters, no conflicts (2 of 4 stars). 2 submissions from 2 submitters: Pathogenic (1); Likely pathogenic (1). Last evaluated 2023-11-27.

Conditions:
Glycogen phosphorylase kinase deficiency. Also called: Phosphorylase Kinase Deficiency; Glycogen Storage Disease Type IX. Identifiers: Orphanet 370, MedGen C0268147, MONDO:0700291.
Glycogen storage disease IXb (GSD9B). Also called: GLYCOGENOSIS OF LIVER AND MUSCLE, AUTOSOMAL RECESSIVE; GSD IXb; PHOSPHORYLASE KINASE DEFICIENCY OF LIVER AND MUSCLE, AUTOSOMAL RECESSIVE. Identifiers: Orphanet 79240, MedGen C0543514, MONDO:0009868, OMIM 261750.

Allele frequency attached by ClinVar (database versions not stated): TOPMed 0.00001.
gnomAD v4.1: 14 of 1,613,802 alleles (0.00087%); highest among the groups gnomAD compares: African/African-American, 0.0027%; no homozygotes.

Submissions (2):

Labcorp Genetics (formerly Invitae), Labcorp
Classification: Pathogenic for Glycogen storage disease IXb. Last evaluated: 2023-11-27. Review status: criteria provided, single submitter. Criteria: Invitae Variant Classification Sherloc (09022015). Collection method: clinical testing. Allele origin: germline.
Comment: This sequence change creates a premature translational stop signal (p.Arg875*) in the PHKB gene. It is expected to result in an absent or disrupted protein product. Loss-of-function variants in PHKB are known to be pathogenic (PMID: 9215682, 9326319). This variant is not present in population databases (gnomAD no frequency). This variant has not been reported in the literature in individuals affected with PHKB-related conditions. ClinVar contains an entry for this variant (Variation ID: 1804671). For these reasons, this variant has been classified as Pathogenic.

Women's Health and Genetics/Laboratory Corporation of America, LabCorp
Classification: Likely pathogenic for Glycogen phosphorylase kinase deficiency. Last evaluated: 2022-11-08. Review status: criteria provided, single submitter. Criteria: LabCorp Variant Classification Summary - May 2015. Collection method: clinical testing. Allele origin: germline.
Comment: Variant summary: PHKB c.2623C>T (p.Arg875X) results in a premature termination codon, predicted to cause a truncation of the encoded protein or absence of the protein due to nonsense mediated decay, which are commonly known mechanisms for disease. Truncations downstream of this position have been associated with glycogen storage disease in HGMD and are cited as likely pathogenic in ClinVar. The variant was absent in 251062 control chromosomes. To our knowledge, no occurrence of c.2623C>T in individuals affected with Glycogen Phosphorylase Kinase Deficiency and no experimental evidence demonstrating its impact on protein function have been reported. No clinical diagnostic laboratories have submitted clinical-significance assessments for this variant to ClinVar after 2014. Based on the evidence outlined above, the variant was classified as likely pathogenic.

Literature cited by the submitters: PubMed 9215682 (cited by Labcorp Genetics (formerly Invitae), Labcorp); PubMed 9326319 (cited by Labcorp Genetics (formerly Invitae), Labcorp).